The following is an entry in ClinVar:

NM_024675.4(PALB2):c.3436C>G (p.Gln1146Glu)

Gene: PALB2 (partner and localizer of BRCA2; minus strand). Cytogenetic location: 16p12.2.
Variant type: single nucleotide variant.
Coding change: c.3436C>G on transcript NM_024675.4 (MANE Select); coding-DNA position 3436, C replaced by G.
Protein change: p.Gln1146Glu; replaces glutamine 1146 with glutamic acid.
Molecular consequence: missense variant.
Genome position (GRCh38, 1-based): chr16:23,603,584, G>C on the plus strand (C>G on the coding strand, the complement: PALB2 is on the minus strand). VCF-style: chr16-23603584-G-C. GRCh37 (hg19) VCF-style: chr16-23614905-G-C.
Other names: short protein forms Q1146E.
Identifiers: ClinVar variation 246373 (VCV000246373.12), dbSNP rs879254033, ClinGen allele CA10584501.

ClinVar aggregate classification (germline): Conflicting classifications of pathogenicity. Review status: criteria provided, conflicting classifications (1 of 4 stars). 4 submissions from 4 submitters: Uncertain significance (3); Likely benign (1). Last evaluated 2025-01-13.

Conditions:
Hereditary cancer-predisposing syndrome. Also called: Hereditary neoplastic syndrome; Neoplastic Syndromes, Hereditary; Tumor predisposition; Hereditary Cancer Syndrome. Identifiers: Orphanet 140162, MedGen C0027672, MeSH D009386, MONDO:0015356.
Familial cancer of breast. Also called: BREAST CANCER, FAMILIAL; Hereditary breast cancer; hereditary breast carcinoma. Identifiers: Orphanet 227535, MedGen C0346153, MONDO:0016419, OMIM 114480. Disease mechanism: loss of function.

Allele frequency attached by ClinVar (database versions not stated): gnomAD exomes 0.00001.
gnomAD v4.1: 4 of 1,614,098 alleles (0.00025%); highest among the groups gnomAD compares: East Asian, 0.0045%; no homozygotes.

Submissions (4):

Ambry Genetics
Classification: Likely benign for Hereditary cancer-predisposing syndrome. Last evaluated: 2025-01-13. Review status: criteria provided, single submitter. Criteria: Ambry Variant Classification Scheme 2023. Collection method: clinical testing. Allele origin: germline.

Labcorp Genetics (formerly Invitae), Labcorp
Classification: Uncertain significance for Familial cancer of breast. Last evaluated: 2022-07-01. Review status: criteria provided, single submitter. Criteria: Invitae Variant Classification Sherloc (09022015). Collection method: clinical testing. Allele origin: germline.
Comment: ClinVar contains an entry for this variant (Variation ID: 246373). Algorithms developed to predict the effect of missense changes on protein structure and function (SIFT, PolyPhen-2, Align-GVGD) all suggest that this variant is likely to be tolerated. In summary, the available evidence is currently insufficient to determine the role of this variant in disease. Therefore, it has been classified as a Variant of Uncertain Significance. This sequence change replaces glutamine, which is neutral and polar, with glutamic acid, which is acidic and polar, at codon 1146 of the PALB2 protein (p.Gln1146Glu). This variant is not present in population databases (gnomAD no frequency). This variant has not been reported in the literature in individuals affected with PALB2-related conditions.

Color Diagnostics, LLC DBA Color Health
Classification: Uncertain significance for Hereditary cancer-predisposing syndrome. Last evaluated: 2018-11-27. Review status: criteria provided, single submitter. Criteria: ACMG Guidelines, 2015. Collection method: clinical testing. Allele origin: germline.

GeneDx
Classification: Uncertain significance. Last evaluated: 2016-02-03. Review status: criteria provided, single submitter. Criteria: GeneDx Variant Classification (06012015). Collection method: clinical testing. Allele origin: germline. Affected: yes.
Comment: This variant is denoted PALB2 c.3436C>G at the cDNA level, p.Gln1146Glu (Q1146E) at the protein level, and results in the change of a Glutamine to a Glutamic Acid (CAG>GAG). This variant has not, to our knowledge, been published in the literature as pathogenic or benign. PALB2 Gln1146Glu was not observed in approximately 6,500 individuals of European and African American ancestry in the NHLBI Exome Sequencing Project, suggesting it is not a common benign variant in these populations. Since Glutamine and Glutamic Acid differ in some properties, this is considered a semi-conservative amino acid substitution. PALB2 Gln1146Glu occurs at a position that is not conserved and is located within the 6th WD repeat and the region of interaction with POLH, RAD51, BRCA2 and the region required for POLH DNA synthesis stimulation (UniProt). In silico analyses predict that this variant is unlikely to alter protein structure or function. Based on currently available evidence, it is unclear whether PALB2 Gln1146Glu is a pathogenic or benign variant. We consider it to be a variant of uncertain significance.